The following is an entry in ClinVar:

ClinVar aggregate classification (germline): Uncertain significance (1 of 4 stars; one submission).

Conditions:
Cornelia de Lange syndrome 4 (CDLS4). Also called: RAD21-Related Cornelia de Lange Syndrome; CORNELIA DE LANGE SYNDROME 4 WITH OR WITHOUT MIDLINE BRAIN DEFECTS. Identifiers: Orphanet 199, MedGen C3553517, MONDO:0013864, OMIM 614701.

gnomAD v4.1: 2 of 1,613,282 alleles (0.00012%); highest among the groups gnomAD compares: Non-Finnish European, 0.00017%; no homozygotes.

Submission:

Labcorp Genetics (formerly Invitae), Labcorp
Classification: Uncertain significance for Cornelia de Lange syndrome 4. Last evaluated: 2024-10-29. Review status: criteria provided, single submitter. Criteria: Invitae Variant Classification Sherloc (09022015). Collection method: clinical testing. Allele origin: germline.
Comment: This sequence change replaces isoleucine, which is neutral and non-polar, with methionine, which is neutral and non-polar, at codon 621 of the RAD21 protein (p.Ile621Met). This variant is not present in population databases (gnomAD no frequency). This variant has not been reported in the literature in individuals affected with RAD21-related conditions. ClinVar contains an entry for this variant (Variation ID: 1356689). Invitae Evidence Modeling of protein sequence and biophysical properties (such as structural, functional, and spatial information, amino acid conservation, physicochemical variation, residue mobility, and thermodynamic stability) has been performed for this missense variant. However, the output from this modeling did not meet the statistical confidence thresholds required to predict the impact of this variant on RAD21 protein function. In summary, the available evidence is currently insufficient to determine the role of this variant in disease. Therefore, it has been classified as a Variant of Uncertain Significance.

NM_006265.3(RAD21):c.1863C>G (p.Ile621Met)

Gene: RAD21 (RAD21 cohesin complex component; minus strand). Cytogenetic location: 8q24.11.
Variant type: single nucleotide variant.
Coding change: c.1863C>G on transcript NM_006265.3 (MANE Select); coding-DNA position 1863, C replaced by G.
Protein change: p.Ile621Met; replaces isoleucine 621 with methionine.
Molecular consequence: missense variant.
Genome position (GRCh38, 1-based): chr8:116,847,533, G>C on the plus strand (C>G on the coding strand, the complement: RAD21 is on the minus strand). VCF-style: chr8-116847533-G-C. GRCh37 (hg19) VCF-style: chr8-117859772-G-C.
Other names: short protein forms I621M.
Identifiers: ClinVar variation 1356689 (VCV001356689.8), dbSNP rs763059424, ClinGen allele CA371988726.